The following is an entry in ClinVar:

ClinVar aggregate classification (germline): Likely pathogenic. Review status: criteria provided, multiple submitters, no conflicts (2 of 4 stars). 2 submissions from 2 submitters: Likely pathogenic (2). Last evaluated 2025-04-17.

Conditions:
Bloom syndrome (BLM). Also called: Bloom-Torre-Machacek syndrome. Identifiers: Orphanet 125, MedGen C0005859, MONDO:0008876, OMIM 210900.

Allele frequency attached by ClinVar (database versions not stated): gnomAD exomes below 0.00001.
gnomAD v4.1: 1 of 1,604,326 alleles (0.000062%); highest among the groups gnomAD compares: Non-Finnish European, 0.000085%; no homozygotes.

Submissions (2):

Natera, Inc.
Classification: Likely pathogenic for Bloom syndrome. Last evaluated: 2025-04-17. Review status: criteria provided, single submitter. Criteria: Natera Variant Classification Schema (03/2026). Collection method: clinical testing. Allele origin: germline.
Comment: The c.2556-1G>T variant in BLM is a canonical splice acceptor site variant predicted to affect pre-mRNA splicing, which may result in an abnormal transcript and altered protein product. This variant is expected to result in nonsense mediated decay, truncation, or a dysfunctional protein product. This variant is rare in the general population with a frequency below the threshold expected for the associated phenotype(s). Given the available evidence, this variant is classified as Likely Pathogenic.

Labcorp Genetics (formerly Invitae), Labcorp
Classification: Likely pathogenic for Bloom syndrome. Last evaluated: 2022-10-14. Review status: criteria provided, single submitter. Criteria: Invitae Variant Classification Sherloc (09022015). Collection method: clinical testing. Allele origin: germline.
Comment: ClinVar contains an entry for this variant (Variation ID: 950102). Algorithms developed to predict the effect of sequence changes on RNA splicing suggest that this variant may disrupt the consensus splice site. In summary, the currently available evidence indicates that the variant is pathogenic, but additional data are needed to prove that conclusively. Therefore, this variant has been classified as Likely Pathogenic. This variant has not been reported in the literature in individuals affected with BLM-related conditions. This variant is not present in population databases (gnomAD no frequency). This sequence change affects an acceptor splice site in intron 12 of the BLM gene. It is expected to disrupt RNA splicing. Variants that disrupt the donor or acceptor splice site typically lead to a loss of protein function (PMID: 16199547), and loss-of-function variants in BLM are known to be pathogenic (PMID: 17407155).

Literature cited by the submitters: PubMed 16199547 (cited by Labcorp Genetics (formerly Invitae), Labcorp); PubMed 17407155 (cited by Labcorp Genetics (formerly Invitae), Labcorp).

NM_000057.4(BLM):c.2556-1G>T

Gene: BLM (BLM RecQ like helicase; plus strand). Cytogenetic location: 15q26.1.
Variant type: single nucleotide variant.
Coding change: c.2556-1G>T on transcript NM_000057.4 (MANE Select); the canonical splice acceptor site of the intron before coding-DNA position 2556, G replaced by T.
Molecular consequence: splice acceptor variant.
Genome position (GRCh38, 1-based): chr15:90,782,821, G>T. VCF-style: chr15-90782821-G-T. GRCh37 (hg19) VCF-style: chr15-91326051-G-T.
Other names: c.2556-1G>T (NM_001287246.2, NM_001287247.2); c.1431-1G>T (NM_001287248.2).
Identifiers: ClinVar variation 950102 (VCV000950102.12), dbSNP rs1896650174, ClinGen allele CA393845579.